The following is an entry in ClinVar:

ClinVar aggregate classification (germline): Uncertain significance (1 of 4 stars; one submission).

Conditions:
Chédiak-Higashi syndrome (CHS). Also called: Chediak-Higashi Syndrome. Identifiers: Orphanet 167, MedGen C0007965, MONDO:0008963, OMIM 214500.

Allele frequency attached by ClinVar (database versions not stated): gnomAD exomes below 0.00001; TOPMed 0.00001; ExAC 0.00002.
gnomAD v4.1: 5 of 1,613,956 alleles (0.00031%); highest among the groups gnomAD compares: South Asian, 0.0033%; no homozygotes.

Submission:

Labcorp Genetics (formerly Invitae), Labcorp
Classification: Uncertain significance for Chédiak-Higashi syndrome. Last evaluated: 2022-10-28. Review status: criteria provided, single submitter. Criteria: Invitae Variant Classification Sherloc (09022015). Collection method: clinical testing. Allele origin: germline.
Comment: This sequence change replaces tyrosine, which is neutral and polar, with phenylalanine, which is neutral and non-polar, at codon 2282 of the LYST protein (p.Tyr2282Phe). This variant is present in population databases (rs766070741, gnomAD 0.006%). This variant has not been reported in the literature in individuals affected with LYST-related conditions. Advanced modeling of protein sequence and biophysical properties (such as structural, functional, and spatial information, amino acid conservation, physicochemical variation, residue mobility, and thermodynamic stability) performed at Invitae indicates that this missense variant is not expected to disrupt LYST protein function. In summary, the available evidence is currently insufficient to determine the role of this variant in disease. Therefore, it has been classified as a Variant of Uncertain Significance.

NM_000081.4(LYST):c.6845A>T (p.Tyr2282Phe)

Gene: LYST (lysosomal trafficking regulator; minus strand). Cytogenetic location: 1q42.3.
Variant type: single nucleotide variant.
Coding change: c.6845A>T on transcript NM_000081.4 (MANE Select); coding-DNA position 6845, A replaced by T.
Protein change: p.Tyr2282Phe; replaces tyrosine 2282 with phenylalanine.
Molecular consequence: missense variant.
Genome position (GRCh38, 1-based): chr1:235,759,008, T>A on the plus strand (A>T on the coding strand, the complement: LYST is on the minus strand). VCF-style: chr1-235759008-T-A. GRCh37 (hg19) VCF-style: chr1-235922308-T-A.
Other names: c.6845A>T, p.Tyr2282Phe (NM_001301365.1); short protein forms Y2282F.
Identifiers: ClinVar variation 2109798 (VCV002109798.1), dbSNP rs766070741, ClinGen allele CA1466296.